The following is an entry in ClinVar:

ClinVar aggregate classification (germline): Likely benign. Review status: criteria provided, multiple submitters, no conflicts (2 of 4 stars). 2 submissions from 2 submitters: Likely benign (2). Last evaluated 2023-12-31.

Conditions:
Primary ciliary dyskinesia. Also called: Ciliary dyskinesia. Identifiers: Orphanet 244, MedGen C0008780, MONDO:0016575, HP:0012265.

gnomAD v4.1: 42 of 1,613,852 alleles (0.0026%); highest among the groups gnomAD compares: Non-Finnish European, 0.0035%; no homozygotes.

Submissions (2):

Labcorp Genetics (formerly Invitae), Labcorp
Classification: Likely benign for Primary ciliary dyskinesia. Last evaluated: 2023-12-31. Review status: criteria provided, single submitter. Criteria: Invitae Variant Classification Sherloc (09022015). Collection method: clinical testing. Allele origin: germline.

CeGaT Center for Human Genetics Tuebingen
Classification: Likely benign. Last evaluated: 2023-11-01. Review status: criteria provided, single submitter. Criteria: CeGaT Center For Human Genetics Tuebingen Variant Classification Criteria Version 2. Collection method: clinical testing. Allele origin: germline. Affected: yes. Observed: 1 variant allele.
Comment: DNAH5: BP4, BP7

NM_001369.3(DNAH5):c.3966A>C (p.Ser1322=)

Genes: DNAH5 (dynein axonemal heavy chain 5; minus strand), DNAH5-AS1 (DNAH5 antisense RNA 1; plus strand). Cytogenetic location: 5p15.2.
Variant type: single nucleotide variant.
Coding change: c.3966A>C on transcript NM_001369.3 (MANE Select); coding-DNA position 3966, A replaced by C.
Protein change: p.Ser1322=; no amino-acid change (serine 1322 retained).
Molecular consequence: synonymous variant.
Genome position (GRCh38, 1-based): chr5:13,867,861, T>G on the plus strand (A>C on the coding strand, the complement: DNAH5 is on the minus strand). VCF-style: chr5-13867861-T-G. GRCh37 (hg19) VCF-style: chr5-13867970-T-G.
Identifiers: ClinVar variation 1142890 (VCV001142890.32), dbSNP rs775449337, ClinGen allele CA3204125.
Genomic context (GRCh38, chr5:13,867,861, plus strand): 5'-ACAATCTTGGAGGAATACCTCCACAGCACTAATAAGCTCTTTCTTGAAACTGGGCTGCAG[T>G]GAGACTAATTTATTCTGGACTTCGCCAGCACGTGCCAGCAGCTTCTCCCAAGCATAGTGC-3'
Protein context (NP_001360.1, residues 1312-1332): RAGEVQNKLV[Ser1322=]LQPSFKKELI